The following is an entry in ClinVar:

ClinVar aggregate classification (germline): Pathogenic (1 of 4 stars; one submission).

Conditions:
Joubert syndrome. Also called: CEREBELLOPARENCHYMAL DISORDER IV; JOUBERT-BOLTSHAUSER SYNDROME; Familial aplasia of the vermis. Identifiers: Orphanet 475, MedGen C5979921, MONDO:0018772.
Meckel-Gruber syndrome. Also called: DYSENCEPHALIA SPLANCHNOCYSTICA; GRUBER SYNDROME; Dysencephalia splachnocystica. Identifiers: Orphanet 564, MedGen C0265215, MONDO:0018921.

gnomAD v4.1: 13 of 1,613,948 alleles (0.00081%); highest among the groups gnomAD compares: Non-Finnish European, 0.0011%; no homozygotes.

Submission:

Labcorp Genetics (formerly Invitae), Labcorp
Classification: Pathogenic for Joubert syndrome; Meckel-Gruber syndrome. Last evaluated: 2024-04-17. Review status: criteria provided, single submitter. Criteria: Invitae Variant Classification Sherloc (09022015). Collection method: clinical testing. Allele origin: germline.
Comment: This sequence change creates a premature translational stop signal (p.Cys117*) in the TMEM67 gene. It is expected to result in an absent or disrupted protein product. Loss-of-function variants in TMEM67 are known to be pathogenic (PMID: 20232449, 23559409). This variant is present in population databases (rs770422265, gnomAD 0.002%). This variant has not been reported in the literature in individuals affected with TMEM67-related conditions. For these reasons, this variant has been classified as Pathogenic.

Literature cited by the submitters: PubMed 20232449; PubMed 23559409.

NM_153704.6(TMEM67):c.351C>A (p.Cys117Ter)

Gene: TMEM67 (transmembrane protein 67; plus strand). Cytogenetic location: 8q22.1.
Variant type: single nucleotide variant.
Coding change: c.351C>A on transcript NM_153704.6 (MANE Select); coding-DNA position 351, C replaced by A.
Protein change: p.Cys117Ter; replaces cysteine 117 with a stop codon.
Molecular consequence: nonsense. On other transcripts: 5 prime UTR variant (1), non-coding transcript variant (1).
Genome position (GRCh38, 1-based): chr8:93,758,521, C>A. VCF-style: chr8-93758521-C-A. GRCh37 (hg19) VCF-style: chr8-94770749-C-A.
Other names: c.-27C>A (NM_001142301.1); short protein forms C117*.
Identifiers: ClinVar variation 3749593 (VCV003749593.2).